The following is an entry in ClinVar:

NM_001848.3(COL6A1):c.2638G>A (p.Gly880Ser)

Gene: COL6A1 (collagen type VI alpha 1 chain; plus strand). Cytogenetic location: 21q22.3.
Variant type: single nucleotide variant.
Coding change: c.2638G>A on transcript NM_001848.3 (MANE Select); coding-DNA position 2638, G replaced by A.
Protein change: p.Gly880Ser; replaces glycine 880 with serine.
Molecular consequence: missense variant.
Genome position (GRCh38, 1-based): chr21:46,003,564, G>A. VCF-style: chr21-46003564-G-A. GRCh37 (hg19) VCF-style: chr21-47423478-G-A.
Other names: short protein forms G880S.
Identifiers: ClinVar variation 476428 (VCV000476428.18), dbSNP rs544927344, ClinGen allele CA10070988.

ClinVar aggregate classification (germline): Conflicting classifications of pathogenicity. Review status: criteria provided, conflicting classifications (1 of 4 stars). 4 submissions from 4 submitters: Uncertain significance (3); Benign (1). Last evaluated 2025-07-15.

Conditions:
Inborn genetic diseases. Identifiers: MedGen C0950123, MeSH D030342.
Bethlem myopathy 1A. Also called: Bethlem Muscular Dystrophy; MYOPATHY, BENIGN CONGENITAL, WITH CONTRACTURES; Bethlem myopathy 1. Identifiers: Orphanet 610, MedGen CN029274, MONDO:0024530, OMIM 158810.

Allele frequency attached by ClinVar (database versions not stated): TOPMed 0.00003; 1000 Genomes Project 0.00020; 1000 Genomes Project 30x 0.00031.

Submissions (4):

Ambry Genetics
Classification: Uncertain significance for Inborn genetic diseases. Last evaluated: 2025-07-15. Review status: criteria provided, single submitter. Criteria: Ambry Variant Classification Scheme 2023. Collection method: clinical testing. Allele origin: germline.

Labcorp Genetics (formerly Invitae), Labcorp
Classification: Benign for Bethlem myopathy 1A. Last evaluated: 2024-11-15. Review status: criteria provided, single submitter. Criteria: Invitae Variant Classification Sherloc (09022015). Collection method: clinical testing. Allele origin: germline.

GeneDx
Classification: Uncertain significance. Last evaluated: 2024-11-06. Review status: criteria provided, single submitter. Criteria: GeneDx Variant Classification Process June 2021. Collection method: clinical testing. Allele origin: germline. Affected: yes.
Comment: In silico analysis supports that this missense variant has a deleterious effect on protein structure/function; Has not been previously published as pathogenic or benign to our knowledge

Revvity Omics, Revvity
Classification: Uncertain significance. Last evaluated: 2023-06-21. Review status: criteria provided, single submitter. Criteria: ACMG Guidelines, 2015. Collection method: clinical testing. Allele origin: germline.